The following is an entry in ClinVar:

NM_173598.6(KSR2):c.427C>T (p.Arg143Cys)

Gene: KSR2 (kinase suppressor of ras 2; minus strand). Cytogenetic location: 12q24.23.
Variant type: single nucleotide variant.
Coding change: c.427C>T on transcript NM_173598.6 (MANE Select); coding-DNA position 427, C replaced by T.
Protein change: p.Arg143Cys; replaces arginine 143 with cysteine.
Molecular consequence: missense variant.
Genome position (GRCh38, 1-based): chr12:117,855,473, G>A on the plus strand (C>T on the coding strand, the complement: KSR2 is on the minus strand). VCF-style: chr12-117855473-G-A. GRCh37 (hg19) VCF-style: chr12-118293278-G-A.
Other names: short protein forms R143C.
Identifiers: ClinVar variation 3357687 (VCV003357687.1).

ClinVar aggregate classification (germline): Uncertain significance (0 of 4 stars; one submission).

Conditions:
KSR2-related disorder. Also called: KSR2-related condition.

Submission:

PreventionGenetics, part of Exact Sciences
Classification: Uncertain significance for KSR2-related condition. Last evaluated: 2024-02-21. Review status: no assertion criteria provided. Collection method: clinical testing. Allele origin: germline.
Comment: The KSR2 c.340C>T variant is predicted to result in the amino acid substitution p.Arg114Cys. To our knowledge, this variant has not been reported in the literature or in a large population database, indicating this variant is rare. At this time, the clinical significance of this variant is uncertain due to the absence of conclusive functional and genetic evidence.